The following is an entry in ClinVar:

ClinVar aggregate classification (germline): Uncertain significance. Review status: reviewed by expert panel (3 of 4 stars). 4 submissions from 4 submitters: Uncertain significance (1). 3 of the submissions do not count toward it. Last evaluated 2024-09-10.

Conditions:
Pulmonary arterial hypertension. Identifiers: Orphanet 182090, MedGen C2973725, MeSH D000081029, MONDO:0015924, HP:0002092.
Primary pulmonary hypertension. Also called: Idiopathic pulmonary hypertension. Identifiers: MedGen C0152171.
Pulmonary hypertension, primary, 1 (PPH1). Also called: Pulmonary hypertension, familial primary, 1, with or without HHT. Identifiers: Orphanet 422, MedGen C4552070, MONDO:0024533, OMIM 178600.

Allele frequency attached by ClinVar (database versions not stated): gnomAD exomes below 0.00001.
gnomAD v4.1: 1 of 1,613,616 alleles (0.000062%); highest among the groups gnomAD compares: Non-Finnish European, 0.000085%; no homozygotes.

Submissions (4):

Clingen Pulmonary Hypertension Variant Curation Expert Panel, ClinGen
Classification: Uncertain significance for Pulmonary arterial hypertension. Last evaluated: 2024-09-10. Review status: reviewed by expert panel. Criteria: ClinGen PH ACMG Specifications BMPR2 V1.1.0. Collection method: curation. Allele origin: germline. Inheritance: Autosomal dominant inheritance.
Comment: This BMPR2 missense variant c.932G>A is predicted to change a glycine residue to a glutamic acid at position 311. This change occurs in the kinase domain, which is a well established functional domain (PM1 is met). It is absent from gnomAD v2.1.1 controls and gnomAD v4.1 (PM2_supporting is met). There are two ClinVar submissions for this variant, but the affected status of one is "unknown" (PS4 not met). Computational evidence for pathogenicity as evaluated by REVEL generated a score of 0.979 indicating that PP3 is met based on the threshold specified by the PH-VCEP >0.75. In summary, the variant meets the criteria to be classified as variant of uncertain significance (VUS) for pulmonary arterial hypertension based on the ACMG/AMP criteria applied, as specified by the ClinGen Pulmonary Hypertension VCEP: PM1, PM2_Supp, PP3 (VCEP specification version 1.1, 1/18/2024).

Department of Clinical Genetics, Copenhagen University Hospital, Rigshospitalet
Classification: Likely pathogenic for Primary pulmonary hypertension. Last evaluated: 2026-09-22. Review status: criteria provided, single submitter. Criteria: ACMG Guidelines, 2015. Collection method: clinical testing. Allele origin: germline. Affected: yes. Not counted in ClinVar's aggregate classification.
Comment: The following criteria was used: PS4_sup (PMID: 19555857 + our patient), PM1_m, PM2_sup, PP2_sup, PP3_sup

Labcorp Genetics (formerly Invitae), Labcorp
Classification: Uncertain significance for Primary pulmonary hypertension. Last evaluated: 2025-07-30. Review status: criteria provided, single submitter. Criteria: Invitae Variant Classification Sherloc (09022015). Collection method: clinical testing. Allele origin: germline. Not counted in ClinVar's aggregate classification.
Comment: This sequence change replaces glycine, which is neutral and non-polar, with glutamic acid, which is acidic and polar, at codon 311 of the BMPR2 protein (p.Gly311Glu). This variant is not present in population databases (gnomAD no frequency). This missense change has been observed in individual(s) with pulmonary hypertension (internal data). ClinVar contains an entry for this variant (Variation ID: 425844). Invitae Evidence Modeling of protein sequence and biophysical properties (such as structural, functional, and spatial information, amino acid conservation, physicochemical variation, residue mobility, and thermodynamic stability) indicates that this missense variant is expected to disrupt BMPR2 protein function with a positive predictive value of 80%. In summary, the available evidence is currently insufficient to determine the role of this variant in disease. Therefore, it has been classified as a Variant of Uncertain Significance.

Rare Disease Genomics Group, St George's University of London
Classification: Pathogenic for Primary pulmonary hypertension. Review status: no assertion criteria provided. Collection method: literature only. Allele origin: germline. Affected: yes. Not counted in ClinVar's aggregate classification.

Literature cited by the submitters: PubMed 19555857 (cited by Department of Clinical Genetics, Copenhagen University Hospital, Rigshospitalet and Rare Disease Genomics Group, St George's University of London).

NM_001204.7(BMPR2):c.932G>A (p.Gly311Glu)

Gene: BMPR2 (bone morphogenetic protein receptor type 2; plus strand). Cytogenetic location: 2q33.2.
Variant type: single nucleotide variant.
Coding change: c.932G>A on transcript NM_001204.7 (MANE Select); coding-DNA position 932, G replaced by A.
Protein change: p.Gly311Glu; replaces glycine 311 with glutamic acid.
Molecular consequence: missense variant.
Genome position (GRCh38, 1-based): chr2:202,520,166, G>A. VCF-style: chr2-202520166-G-A. GRCh37 (hg19) VCF-style: chr2-203384889-G-A.
Other names: NM_001204.7(BMPR2):c.932G>A; p.Gly311Glu; c.932G>A (LRG_712t1); short protein forms G311E.
Identifiers: ClinVar variation 425844 (VCV000425844.7), dbSNP rs1085307274, ClinGen allele CA350340846.
Genomic context (GRCh38, chr2:202,520,166, plus strand): 5'-TAAGTCTCCACACAAGTGACTGGGTAAGCTCTTGCCGTCTTGCTCATTCTGTTACTAGAG[G>A]ACTGGCTTATCTTCACACAGAATTACCACGAGGAGGTAAGATAGTCAATAGATGAAATTG-3'
Protein context (NP_001195.2, residues 301-321): SCRLAHSVTR[Gly311Glu]LAYLHTELPR